The following is an entry in ClinVar:

NM_013254.4(TBK1):c.261A>G (p.Glu87=)

Gene: TBK1 (TANK binding kinase 1; plus strand). Cytogenetic location: 12q14.2.
Variant type: single nucleotide variant.
Coding change: c.261A>G on transcript NM_013254.4 (MANE Select); coding-DNA position 261, A replaced by G.
Protein change: p.Glu87=; no amino-acid change (glutamic acid 87 retained).
Molecular consequence: synonymous variant.
Genome position (GRCh38, 1-based): chr12:64,464,366, A>G. VCF-style: chr12-64464366-A-G. GRCh37 (hg19) VCF-style: chr12-64858146-A-G.
Identifiers: ClinVar variation 4084909 (VCV004084909.8).

ClinVar aggregate classification (germline): Likely benign (1 of 4 stars; one submission).

gnomAD v4.1: 17 of 1,603,652 alleles (0.0011%); highest among the groups gnomAD compares: Non-Finnish European, 0.0013%; no homozygotes.

Submission:

CeGaT Center for Human Genetics Tuebingen
Classification: Likely benign. Last evaluated: 2025-07-01. Review status: criteria provided, single submitter. Criteria: CeGaT Center For Human Genetics Tuebingen Variant Classification Criteria Version 2. Collection method: clinical testing. Allele origin: germline. Affected: yes. Observed: 1 variant allele.
Comment: TBK1: BP4, BP7